The following is an entry in ClinVar:

NM_024529.5(CDC73):c.1246G>T (p.Gly416Cys)

Gene: CDC73 (cell division cycle 73; plus strand). Cytogenetic location: 1q31.2.
Variant type: single nucleotide variant.
Coding change: c.1246G>T on transcript NM_024529.5 (MANE Select); coding-DNA position 1246, G replaced by T.
Protein change: p.Gly416Cys; replaces glycine 416 with cysteine.
Molecular consequence: missense variant.
Genome position (GRCh38, 1-based): chr1:193,233,084, G>T. VCF-style: chr1-193233084-G-T. GRCh37 (hg19) VCF-style: chr1-193202214-G-T.
Other names: short protein forms G416C.
Identifiers: ClinVar variation 1759668 (VCV001759668.2), dbSNP rs2102058377, ClinGen allele CA344077920.

ClinVar aggregate classification (germline): Uncertain significance (1 of 4 stars; one submission).

Conditions:
Hereditary cancer-predisposing syndrome. Also called: Neoplastic Syndromes, Hereditary; Tumor predisposition; Hereditary Cancer Syndrome; Hereditary neoplastic syndrome. Identifiers: Orphanet 140162, MedGen C0027672, MeSH D009386, MONDO:0015356.

Submission:

Ambry Genetics
Classification: Uncertain significance for Hereditary cancer-predisposing syndrome. Last evaluated: 2021-08-17. Review status: criteria provided, single submitter. Criteria: Ambry Variant Classification Scheme 2023. Collection method: clinical testing. Allele origin: germline.
Comment: The p.G416C variant (also known as c.1246G>T), located in coding exon 14 of the CDC73 gene, results from a G to T substitution at nucleotide position 1246. The glycine at codon 416 is replaced by cysteine, an amino acid with highly dissimilar properties. This amino acid position is highly conserved in available vertebrate species. In addition, the in silico prediction for this alteration is inconclusive. Since supporting evidence is limited at this time, the clinical significance of this alteration remains unclear.